The following is an entry in ClinVar:

ClinVar aggregate classification (germline): Uncertain significance (1 of 4 stars; one submission).

Allele frequency attached by ClinVar (database versions not stated): gnomAD exomes below 0.00001; TOPMed below 0.00001; ExAC 0.00001.
gnomAD v4.1: 2 of 1,211,748 alleles (0.00017%); highest among the groups gnomAD compares: South Asian, 0.0018%; no homozygotes.

Submission:

Labcorp Genetics (formerly Invitae), Labcorp
Classification: Uncertain significance. Last evaluated: 2023-12-14. Review status: criteria provided, single submitter. Criteria: Invitae Variant Classification Sherloc (09022015). Collection method: clinical testing. Allele origin: germline.
Comment: This sequence change replaces glutamic acid, which is acidic and polar, with lysine, which is basic and polar, at codon 187 of the RNF113A protein (p.Glu187Lys). This variant is not present in population databases (gnomAD no frequency). This variant has not been reported in the literature in individuals affected with RNF113A-related conditions. Advanced modeling of protein sequence and biophysical properties (such as structural, functional, and spatial information, amino acid conservation, physicochemical variation, residue mobility, and thermodynamic stability) performed at Invitae indicates that this missense variant is not expected to disrupt RNF113A protein function with a negative predictive value of 80%. In summary, the available evidence is currently insufficient to determine the role of this variant in disease. Therefore, it has been classified as a Variant of Uncertain Significance.

NM_006978.3(RNF113A):c.559G>A (p.Glu187Lys)

Gene: RNF113A (ring finger protein 113A; minus strand). Cytogenetic location: Xq24.
Variant type: single nucleotide variant.
Coding change: c.559G>A on transcript NM_006978.3 (MANE Select); coding-DNA position 559, G replaced by A.
Protein change: p.Glu187Lys; replaces glutamic acid 187 with lysine.
Molecular consequence: missense variant.
Genome position (GRCh38, 1-based): chrX:119,871,055, C>T on the plus strand (G>A on the coding strand, the complement: RNF113A is on the minus strand). VCF-style: chrX-119871055-C-T. GRCh37 (hg19) VCF-style: chrX-119005018-C-T.
Other names: short protein forms E187K.
Identifiers: ClinVar variation 2784398 (VCV002784398.3), dbSNP rs781318480, ClinGen allele CA10503451.